The following is an entry in ClinVar:

NM_001048174.2(MUTYH):c.1419G>C (p.Gln473His)

Gene: MUTYH (mutY DNA glycosylase; minus strand). Cytogenetic location: 1p34.1.
Variant type: single nucleotide variant.
Coding change: c.1419G>C on transcript NM_001048174.2 (MANE Select); coding-DNA position 1419, G replaced by C.
Protein change: p.Gln473His; replaces glutamine 473 with histidine.
Molecular consequence: missense variant. On other transcripts: non-coding transcript variant (7).
Genome position (GRCh38, 1-based): chr1:45,330,531, C>G on the plus strand (G>C on the coding strand, the complement: MUTYH is on the minus strand). VCF-style: chr1-45330531-C-G. GRCh37 (hg19) VCF-style: chr1-45796203-C-G.
Other names: c.1074G>C, p.Gln358His (NM_001350651.2, NM_001350650.2, NM_001407082.1); c.1452G>C, p.Gln484His (NM_001407069.1, NM_001407077.1, NM_001293191.2); c.1419G>C, p.Gln473His (NM_001407070.1, NM_001407072.1, NM_001407073.1 and 6 more transcripts); c.1422G>C, p.Gln474His (NM_001407071.1, NM_001407078.1, NM_001048172.2 and 1 more transcripts); c.1335G>C, p.Gln445His (NM_001407075.1); c.1503G>C, p.Gln501His (NM_001128425.2); c.1464G>C, p.Gln488His (NM_001293190.2); c.1143G>C, p.Gln381His (NM_001293192.2, NM_001293196.2, NM_001407091.1); and 5 more; short protein forms Q501H, Q445H, Q460H, Q473H, Q474H, Q487H, Q480H, Q484H.
Identifiers: ClinVar variation 4113297 (VCV004113297.1).

ClinVar aggregate classification (germline): Uncertain significance (1 of 4 stars; one submission).

Conditions:
Hereditary cancer-predisposing syndrome. Also called: Tumor predisposition; Neoplastic Syndromes, Hereditary; Hereditary neoplastic syndrome; Hereditary Cancer Syndrome. Identifiers: Orphanet 140162, MedGen C0027672, MeSH D009386, MONDO:0015356.

Submission:

Ambry Genetics
Classification: Uncertain significance for Hereditary cancer-predisposing syndrome. Last evaluated: 2025-08-27. Review status: criteria provided, single submitter. Criteria: Ambry Variant Classification Scheme 2023. Collection method: clinical testing. Allele origin: germline.
Comment: The p.Q501H variant (also known as c.1503G>C), located in coding exon 15 of the MUTYH gene, results from a G to C substitution at nucleotide position 1503. The glutamine at codon 501 is replaced by histidine, an amino acid with highly similar properties. This amino acid position is conserved. In addition, this alteration is predicted to be tolerated by in silico analysis. Based on the available evidence, the clinical significance of this variant remains unclear.